The following is an entry in ClinVar:

ClinVar aggregate classification (germline): Uncertain significance (1 of 4 stars; one submission).

Conditions:
Dyskeratosis congenita. Identifiers: Orphanet 1775, MedGen C0265965, MONDO:0015780.

Allele frequency attached by ClinVar (database versions not stated): gnomAD 0.00001.
gnomAD v4.1: 4 of 1,611,268 alleles (0.00025%); highest among the groups gnomAD compares: East Asian, 0.0089%; no homozygotes.

Submission:

Labcorp Genetics (formerly Invitae), Labcorp
Classification: Uncertain significance for Dyskeratosis congenita. Last evaluated: 2021-07-28. Review status: criteria provided, single submitter. Criteria: Invitae Variant Classification Sherloc (09022015). Collection method: clinical testing. Allele origin: germline.
Comment: In summary, the available evidence is currently insufficient to determine the role of this variant in disease. Therefore, it has been classified as a Variant of Uncertain Significance. Algorithms developed to predict the effect of missense changes on protein structure and function output the following: SIFT: "Tolerated"; PolyPhen-2: "Benign"; Align-GVGD: "Class C0". The glutamic acid amino acid residue is found in multiple mammalian species, which suggests that this missense change does not adversely affect protein function. This variant has not been reported in the literature in individuals affected with CTC1-related conditions. This variant is not present in population databases (ExAC no frequency). This sequence change replaces glutamine with glutamic acid at codon 13 of the CTC1 protein (p.Gln13Glu). The glutamine residue is moderately conserved and there is a small physicochemical difference between glutamine and glutamic acid.

NM_025099.6(CTC1):c.37C>G (p.Gln13Glu)

Gene: CTC1 (CST telomere replication complex component 1; minus strand). Cytogenetic location: 17p13.1.
Variant type: single nucleotide variant.
Coding change: c.37C>G on transcript NM_025099.6 (MANE Select); coding-DNA position 37, C replaced by G.
Protein change: p.Gln13Glu; replaces glutamine 13 with glutamic acid.
Molecular consequence: missense variant. On other transcripts: non-coding transcript variant (1).
Genome position (GRCh38, 1-based): chr17:8,243,145, G>C on the plus strand (C>G on the coding strand, the complement: CTC1 is on the minus strand). VCF-style: chr17-8243145-G-C. GRCh37 (hg19) VCF-style: chr17-8146463-G-C.
Other names: short protein forms Q13E.
Identifiers: ClinVar variation 1393486 (VCV001393486.8), dbSNP rs767073205, ClinGen allele CA397996852.
Genomic context (GRCh38, chr17:8,243,145, plus strand): 5'-CCTTGACAGCTGGACACAGGGTCTTTTGGATGAAGACCTGAGCATCCTCAAGCCAGGCTT[G>C]TTCCTGAGGAAAGTGAATTTAGTTAAAACATCTTGACTATCCGGCCCACCAAGGAAACTT-3'
Protein context (NP_079375.3, residues 3-23): AGRAQVPSSE[Gln13Glu]AWLEDAQVFI